The following is an entry in ClinVar:

NM_004208.4(AIFM1):c.1354G>A (p.Val452Ile)

Genes: AIFM1 (apoptosis inducing factor mitochondria associated 1; minus strand), RAB33A (RAB33A, member RAS oncogene family; plus strand). Cytogenetic location: Xq26.1.
Variant type: single nucleotide variant.
Coding change: c.1354G>A on transcript NM_004208.4 (MANE Select); coding-DNA position 1354, G replaced by A.
Protein change: p.Val452Ile; replaces valine 452 with isoleucine.
Molecular consequence: missense variant. On other transcripts: 3 prime UTR variant (1), non-coding transcript variant (1).
Genome position (GRCh38, 1-based): chrX:130,133,407, C>T on the plus strand (G>A on the coding strand, the complement: AIFM1 is on the minus strand). VCF-style: chrX-130133407-C-T. GRCh37 (hg19) VCF-style: chrX-129267382-C-T.
Other names: c.337G>A, p.Val113Ile (NM_001130846.4); c.*582G>A (NM_001130847.4); c.1342G>A, p.Val448Ile (NM_145812.3); short protein forms V113I, V448I, V452I.
Identifiers: ClinVar variation 3751931 (VCV003751931.2).

ClinVar aggregate classification (germline): Uncertain significance (1 of 4 stars; one submission).

Conditions:
Charcot-Marie-Tooth Neuropathy X. Identifiers: MedGen CN118851.
Combined oxidative phosphorylation deficiency. Identifiers: MedGen C4540031, MONDO:0000732.

gnomAD v4.1: 2 of 1,208,430 alleles (0.00017%); highest among the groups gnomAD compares: African/African-American, 0.0035%; no homozygotes.

Submission:

Labcorp Genetics (formerly Invitae), Labcorp
Classification: Uncertain significance for Charcot-Marie-Tooth Neuropathy X; Combined oxidative phosphorylation deficiency. Last evaluated: 2024-08-03. Review status: criteria provided, single submitter. Criteria: Invitae Variant Classification Sherloc (09022015). Collection method: clinical testing. Allele origin: germline.
Comment: This sequence change replaces valine, which is neutral and non-polar, with isoleucine, which is neutral and non-polar, at codon 452 of the AIFM1 protein (p.Val452Ile). This variant is present in population databases (no rsID available, gnomAD 0.02%), and has an allele count higher than expected for a pathogenic variant. This variant has not been reported in the literature in individuals affected with AIFM1-related conditions. Advanced modeling of protein sequence and biophysical properties (such as structural, functional, and spatial information, amino acid conservation, physicochemical variation, residue mobility, and thermodynamic stability) has been performed at Invitae for this missense variant, however the output from this modeling did not meet the statistical confidence thresholds required to predict the impact of this variant on AIFM1 protein function. In summary, the available evidence is currently insufficient to determine the role of this variant in disease. Therefore, it has been classified as a Variant of Uncertain Significance.